The following is an entry in ClinVar:

NM_000497.4(CYP11B1):c.512C>A (p.Ala171Asp)

Genes: CYP11B1 (cytochrome P450 family 11 subfamily B member 1; minus strand), LOC106799833 (CYP11B1 recombination region; plus strand). Cytogenetic location: 8q24.3.
Variant type: single nucleotide variant.
Coding change: c.512C>A on transcript NM_000497.4 (MANE Select); coding-DNA position 512, C replaced by A.
Protein change: p.Ala171Asp; replaces alanine 171 with aspartic acid.
Molecular consequence: missense variant.
Genome position (GRCh38, 1-based): chr8:142,877,106, G>T on the plus strand (C>A on the coding strand, the complement: CYP11B1 is on the minus strand). VCF-style: chr8-142877106-G-T. GRCh37 (hg19) VCF-style: chr8-143958522-G-T.
Other names: c.512C>A, p.Ala171Asp (NM_001026213.1); short protein forms A171D.
Identifiers: ClinVar variation 3595332 (VCV003595332.3).

ClinVar aggregate classification (germline): Uncertain significance. Review status: criteria provided, multiple submitters, no conflicts (2 of 4 stars). 2 submissions from 2 submitters: Uncertain significance (2). Last evaluated 2024-05-07.

Conditions:
Glucocorticoid-remediable aldosteronism. Also called: ACTH-DEPENDENT HYPERALDOSTERONISM SYNDROME; ALDOSTERONISM, SENSITIVE TO DEXAMETHASONE; FH I; GLUCOCORTICOID-SUPPRESSIBLE HYPERALDOSTERONISM; Hyperaldosteronism, familial, type I. Identifiers: Orphanet 403, MedGen C3838731, MONDO:0007080, OMIM 103900.
Deficiency of steroid 11-beta-monooxygenase (CYP11B1). Also called: ADRENAL HYPERPLASIA, CONGENITAL, DUE TO STEROID 11-BETA-HYDROXYLASE DEFICIENCY; 11-BETA-HYDROXYLASE DEFICIENCY; P450C11B1 DEFICIENCY; STEROID 11-BETA-HYDROXYLASE DEFICIENCY; Congenital adrenal hyperplasia due to 11-beta-hydroxylase deficiency; ADRENAL HYPERPLASIA IV. Identifiers: Orphanet 90795, MedGen C0268292, MONDO:0008729, OMIM 202010. Disease mechanism: loss of function.

gnomAD v4.1: 1 of 1,614,006 alleles (0.000062%); highest among the groups gnomAD compares: Non-Finnish European, 0.000085%; no homozygotes.

Submissions (2):

Fulgent Genetics
Classification: Uncertain significance for Glucocorticoid-remediable aldosteronism; Deficiency of steroid 11-beta-monooxygenase. Last evaluated: 2024-05-07. Review status: criteria provided, single submitter. Criteria: ACMG Guidelines, 2015. Collection method: clinical testing. Allele origin: germline.

Labcorp Genetics (formerly Invitae), Labcorp
Classification: Uncertain significance. Last evaluated: 2024-03-01. Review status: criteria provided, single submitter. Criteria: Invitae Variant Classification Sherloc (09022015). Collection method: clinical testing. Allele origin: germline.
Comment: This sequence change replaces alanine, which is neutral and non-polar, with aspartic acid, which is acidic and polar, at codon 171 of the CYP11B1 protein (p.Ala171Asp). This variant is not present in population databases (gnomAD no frequency). This variant has not been reported in the literature in individuals affected with CYP11B1-related conditions. Advanced modeling of protein sequence and biophysical properties (such as structural, functional, and spatial information, amino acid conservation, physicochemical variation, residue mobility, and thermodynamic stability) performed at Invitae indicates that this missense variant is not expected to disrupt CYP11B1 protein function with a negative predictive value of 95%. In summary, the available evidence is currently insufficient to determine the role of this variant in disease. Therefore, it has been classified as a Variant of Uncertain Significance.